The following is an entry in ClinVar:

NM_001035.3(RYR2):c.21C>A (p.Gly7=)

Gene: RYR2 (ryanodine receptor 2; plus strand). Cytogenetic location: 1q43.
Variant type: single nucleotide variant.
Coding change: c.21C>A on transcript NM_001035.3 (MANE Select); coding-DNA position 21, C replaced by A.
Protein change: p.Gly7=; no amino-acid change (glycine 7 retained).
Molecular consequence: synonymous variant.
Genome position (GRCh38, 1-based): chr1:237,042,542, C>A. VCF-style: chr1-237042542-C-A. GRCh37 (hg19) VCF-style: chr1-237205842-C-A.
Other names: c.21C>A (NM_001035.2).
Identifiers: ClinVar variation 2180076 (VCV002180076.7), dbSNP rs988712614, ClinGen allele CA39930530.
Genomic context (GRCh38, chr1:237,042,542, plus strand): 5'-CGGGGCTCGGGAGCCGGCCCCGGCGAGGAGGCGCGGAACCATGGCCGATGGGGGCGAGGG[C>A]GAAGACGAGATCCAGTTCCTGCGAACTGTAAGCGCCGTGCGTCGCGTGTGCTGTCAGGGG-3'
Protein context (NP_001026.2, residues 1-17): MADGGE[Gly7=]EDEIQFLRTD

ClinVar aggregate classification (germline): Likely benign. Review status: criteria provided, multiple submitters, no conflicts (2 of 4 stars). 3 submissions from 3 submitters: Likely benign (3). Last evaluated 2025-01-14.

Conditions:
Catecholaminergic polymorphic ventricular tachycardia 1. Also called: VENTRICULAR TACHYCARDIA, STRESS-INDUCED POLYMORPHIC 1; VENTRICULAR TACHYCARDIA, CATECHOLAMINERGIC POLYMORPHIC, 1, WITH OR WITHOUT ATRIAL DYSFUNCTION AND/OR DILATED CARDIOMYOPATHY; RYR2-Related Catecholaminergic Polymorphic Ventricular Tachycardia. Identifiers: Orphanet 3286, MedGen C1631597, MONDO:0011484, OMIM 604772.
Cardiovascular phenotype. Identifiers: MedGen CN230736.
Catecholaminergic polymorphic ventricular tachycardia (CVPT). Also called: Catecholamine-induced polymorphic ventricular tachycardia. Identifiers: Orphanet 3286, MedGen C5574922, MONDO:0017990.

Allele frequency attached by ClinVar (database versions not stated): TOPMed below 0.00001; gnomAD 0.00001.
gnomAD v4.1: 2 of 1,259,568 alleles (0.00016%); highest among the groups gnomAD compares: Admixed American, 0.004%; no homozygotes.

Submissions (3):

Labcorp Genetics (formerly Invitae), Labcorp
Classification: Likely benign for Catecholaminergic polymorphic ventricular tachycardia 1. Last evaluated: 2025-01-14. Review status: criteria provided, single submitter. Criteria: Invitae Variant Classification Sherloc (09022015). Collection method: clinical testing. Allele origin: germline.

Ambry Genetics
Classification: Likely benign for Cardiovascular phenotype. Last evaluated: 2023-06-14. Review status: criteria provided, single submitter. Criteria: Ambry Variant Classification Scheme 2023. Collection method: clinical testing. Allele origin: germline.

All of Us Research Program, National Institutes of Health
Classification: Likely benign for Catecholaminergic polymorphic ventricular tachycardia. Last evaluated: 2023-04-28. Review status: criteria provided, single submitter. Criteria: ACMG Guidelines, 2015. Collection method: clinical testing. Allele origin: germline. Inheritance: Autosomal dominant inheritance. Observed: 1 variant allele, 1 heterozygote.
Comment: This study involves interpretation of variants in research participants for the purpose of population health screening. Participant phenotype was not available at the time of variant classification. Additional details can be found in publication PMID: 35346344, PMCID: PMC8962531